The following is an entry in ClinVar:

ClinVar aggregate classification (germline): Pathogenic (1 of 4 stars; one submission).

Submission:

Labcorp Genetics (formerly Invitae), Labcorp
Classification: Pathogenic. Last evaluated: 2025-03-25. Review status: criteria provided, single submitter. Criteria: Invitae Variant Classification Sherloc (09022015). Collection method: clinical testing. Allele origin: germline.
Comment: This sequence change creates a premature translational stop signal (p.Tyr756Cysfs*44) in the ADCY3 gene. It is expected to result in an absent or disrupted protein product. Loss-of-function variants in ADCY3 are known to be pathogenic (PMID: 29311637). This variant is not present in population databases (gnomAD no frequency). This variant has not been reported in the literature in individuals affected with ADCY3-related conditions. For these reasons, this variant has been classified as Pathogenic.

Literature cited by the submitters: PubMed 29311637.

NM_004036.5(ADCY3):c.2267_2268del (p.Tyr756fs)

Gene: ADCY3 (adenylate cyclase 3; minus strand). Cytogenetic location: 2p23.3.
Variant type: Deletion.
Coding change: c.2267_2268del on transcript NM_004036.5 (MANE Select); coding-DNA positions 2267 to 2268, 2 bases deleted (AT; older notation c.2267_2268delAT).
Protein change: p.Tyr756fs; shifts the reading frame from tyrosine 756.
Molecular consequence: frameshift variant. On other transcripts: intron variant (2).
Genome position (GRCh38, 1-based): chr2:24,828,066-24,828,067, AT deleted on the plus strand (AT on the coding strand, the reverse complement: ADCY3 is on the minus strand); deleting any 2 consecutive bases within chr2:24,828,066-24,828,068 gives the same sequence; the c. name uses the placement nearest the transcript's 3' end. VCF-style (leftmost placement, unchanged base first): chr2-24828065-CAT-C. GRCh37 (hg19) VCF-style: chr2-25050934-CAT-C.
Other names: c.2267_2268del, p.Tyr756fs (NM_001320613.2, NM_001377132.1); c.2333_2334del, p.Tyr778fs (NM_001377128.1); c.1544_1545del, p.Tyr515fs (NM_001377131.1); c.2172+2642_2172+2643del (NM_001377130.1); c.2173-44_2173-43del (NM_001377129.1); short protein forms Y778fs, Y756fs, Y515fs.
Identifiers: ClinVar variation 4715902 (VCV004715902.1).